The following is an entry in ClinVar:

NM_198578.4(LRRK2):c.692C>T (p.Ser231Phe)

Gene: LRRK2 (leucine rich repeat kinase 2; plus strand). Cytogenetic location: 12q12.
Variant type: single nucleotide variant.
Coding change: c.692C>T on transcript NM_198578.4 (MANE Select); coding-DNA position 692, C replaced by T.
Protein change: p.Ser231Phe; replaces serine 231 with phenylalanine.
Molecular consequence: missense variant.
Genome position (GRCh38, 1-based): chr12:40,240,603, C>T. VCF-style: chr12-40240603-C-T. GRCh37 (hg19) VCF-style: chr12-40634405-C-T.
Other names: short protein forms S231F.
Identifiers: ClinVar variation 1756200 (VCV001756200.2), dbSNP rs1255670816, ClinGen allele CA384404966.

ClinVar aggregate classification (germline): Uncertain significance (1 of 4 stars; one submission).

Conditions:
Inborn genetic diseases. Identifiers: MedGen C0950123, MeSH D030342.

Allele frequency attached by ClinVar (database versions not stated): TOPMed 0.00002.
gnomAD v4.1: 3 of 1,613,176 alleles (0.00019%); highest among the groups gnomAD compares: Admixed American, 0.0033%; no homozygotes.

Submission:

Ambry Genetics
Classification: Uncertain significance for Inborn genetic diseases. Last evaluated: 2022-09-26. Review status: criteria provided, single submitter. Criteria: Ambry Variant Classification Scheme 2023. Collection method: clinical testing. Allele origin: germline.
Comment: The p.S231F variant (also known as c.692C>T), located in coding exon 6 of the LRRK2 gene, results from a C to T substitution at nucleotide position 692. The serine at codon 231 is replaced by phenylalanine, an amino acid with highly dissimilar properties. This amino acid position is conserved. In addition, the in silico prediction for this alteration is inconclusive. Since supporting evidence is limited at this time, the clinical significance of this alteration remains unclear.